The following is an entry in ClinVar:

NM_001128228.3(TPRN):c.1275T>C (p.Ala425=)

Gene: TPRN (taperin; minus strand). Cytogenetic location: 9q34.3.
Variant type: single nucleotide variant.
Coding change: c.1275T>C on transcript NM_001128228.3 (MANE Select); coding-DNA position 1275, T replaced by C.
Protein change: p.Ala425=; no amino-acid change (alanine 425 retained).
Molecular consequence: synonymous variant.
Genome position (GRCh38, 1-based): chr9:137,199,437, A>G on the plus strand (T>C on the coding strand, the complement: TPRN is on the minus strand). VCF-style: chr9-137199437-A-G. GRCh37 (hg19) VCF-style: chr9-140093889-A-G.
Identifiers: ClinVar variation 4534388 (VCV004534388.6).
Genomic context (GRCh38, chr9:137,199,437, plus strand): 5'-GCTATTCTTGGCCAAGCCAGGAACCCTGAGGCCCTCAGCAGGCTCAGCTTCTTCCGAAGC[A>G]GCCGGCAGGAAGGGGGGCGGTGAGGACGGCCTCTGCCACCTAATAGCCCGGTCAGCGAGG-3'
Protein context (NP_001121700.2, residues 415-435): RPSSPPPFLP[Ala425=]ASEEAEPAEG

ClinVar aggregate classification (germline): Likely benign (1 of 4 stars; one submission).

gnomAD v4.1: 6 of 1,610,718 alleles (0.00037%); highest among the groups gnomAD compares: Non-Finnish European, 0.00042%; no homozygotes.

Submission:

CeGaT Center for Human Genetics Tuebingen
Classification: Likely benign. Last evaluated: 2025-11-01. Review status: criteria provided, single submitter. Criteria: CeGaT Center For Human Genetics Tuebingen Variant Classification Criteria Version 2. Collection method: clinical testing. Allele origin: germline. Affected: yes. Observed: 1 variant allele.
Comment: TPRN: BP4, BP7